The following is an entry in ClinVar:

NM_003737.4(DCHS1):c.5715G>A (p.Glu1905=)

Gene: DCHS1 (dachsous cadherin-related 1; minus strand). Cytogenetic location: 11p15.4.
Variant type: single nucleotide variant.
Coding change: c.5715G>A on transcript NM_003737.4 (MANE Select); coding-DNA position 5715, G replaced by A.
Protein change: p.Glu1905=; no amino-acid change (glutamic acid 1905 retained).
Molecular consequence: synonymous variant.
Genome position (GRCh38, 1-based): chr11:6,627,324, C>T on the plus strand (G>A on the coding strand, the complement: DCHS1 is on the minus strand). VCF-style: chr11-6627324-C-T. GRCh37 (hg19) VCF-style: chr11-6648555-C-T.
Other names: c.5715G>A (NM_003737.3).
Identifiers: ClinVar variation 1931635 (VCV001931635.6), dbSNP rs1855825275, ClinGen allele CA473239668.

ClinVar aggregate classification (germline): Likely benign. Review status: criteria provided, multiple submitters, no conflicts (2 of 4 stars). 2 submissions from 2 submitters: Likely benign (2). Last evaluated 2024-11-25.

Conditions:
DCHS1-related disorder. Also called: DCHS1-related condition.

Allele frequency attached by ClinVar (database versions not stated): gnomAD exomes 0.00001; TOPMed 0.00001.
gnomAD v4.1: 4 of 1,610,312 alleles (0.00025%); highest among the groups gnomAD compares: South Asian, 0.0011%; no homozygotes.

Submissions (2):

PreventionGenetics, part of Exact Sciences
Classification: Likely benign for DCHS1-related condition. Last evaluated: 2024-11-25. Review status: criteria provided, single submitter. Criteria: ACMG Guidelines, 2015. Collection method: clinical testing. Allele origin: germline.
Comment: This variant is classified as likely benign based on ACMG/AMP sequence variant interpretation guidelines (Richards et al. 2015 PMID: 25741868, with internal and published modifications).

Labcorp Genetics (formerly Invitae), Labcorp
Classification: Likely benign. Last evaluated: 2022-02-24. Review status: criteria provided, single submitter. Criteria: Invitae Variant Classification Sherloc (09022015). Collection method: clinical testing. Allele origin: germline.